The following is an entry in ClinVar:

NM_015662.3(IFT172):c.3851G>A (p.Arg1284Gln)

Genes: IFT172 (intraflagellar transport 172; minus strand), LOC126806173 (BRD4-independent group 4 enhancer GRCh37_chr2:27676057-27677256; plus strand). Cytogenetic location: 2p23.3.
Variant type: single nucleotide variant.
Coding change: c.3851G>A on transcript NM_015662.3 (MANE Select); coding-DNA position 3851, G replaced by A.
Protein change: p.Arg1284Gln; replaces arginine 1284 with glutamine.
Molecular consequence: missense variant.
Genome position (GRCh38, 1-based): chr2:27,453,484, C>T on the plus strand (G>A on the coding strand, the complement: IFT172 is on the minus strand). VCF-style: chr2-27453484-C-T. GRCh37 (hg19) VCF-style: chr2-27676351-C-T.
Other names: c.3851G>A (NM_015662.2, NM_015662.1); short protein forms R1284Q.
Identifiers: ClinVar variation 1020285 (VCV001020285.14), dbSNP rs147394910, ClinGen allele CA1579840.

ClinVar aggregate classification (germline): Conflicting classifications of pathogenicity. Review status: criteria provided, conflicting classifications (1 of 4 stars). 5 submissions from 5 submitters: Uncertain significance (3); Likely benign (2). Last evaluated 2026-03-20.

Conditions:
Retinitis pigmentosa 71 (RP71). Identifiers: Orphanet 791, MedGen C4225342, MONDO:0014618, OMIM 616394.
Short-rib thoracic dysplasia 10 with or without polydactyly (SRTD10). Identifiers: Orphanet 474, MedGen C3810175, MONDO:0014284, OMIM 615630.
Inborn genetic diseases. Identifiers: MedGen C0950123, MeSH D030342.
Bardet-Biedl syndrome 20. Identifiers: MedGen C4310707, MONDO:0023670, OMIM 619471, MONDO:0014926.
IFT172-related disorder. Also called: IFT172-related condition; IFT172-related disorders.

Allele frequency attached by ClinVar (database versions not stated): ExAC 0.00013; gnomAD 0.00015 and 0.00017; TOPMed 0.00024; 1000 Genomes Project 30x 0.00031; ESP Exome Variant Server 0.00031; 1000 Genomes Project 0.00040.
gnomAD v4.1: 127 of 1,614,180 alleles (0.0079%); highest among the groups gnomAD compares: African/African-American, 0.072%; no homozygotes.

Submissions (5):

PreventionGenetics, part of Exact Sciences
Classification: Uncertain significance for IFT172-related condition. Last evaluated: 2026-03-20. Review status: criteria provided, single submitter. Criteria: ACMG Guidelines, 2015. Collection method: clinical testing. Allele origin: germline.
Comment: The IFT172 c.3851G>A variant is predicted to result in the amino acid substitution p.Arg1284Gln. To our knowledge, this variant has not been reported in the literature. This variant is reported in 0.040% of alleles in individuals of African descent in gnomAD. At this time, the clinical significance of this variant is uncertain due to the absence of conclusive functional and genetic evidence.

Labcorp Genetics (formerly Invitae), Labcorp
Classification: Likely benign for Retinitis pigmentosa 71; Short-rib thoracic dysplasia 10 with or without polydactyly. Last evaluated: 2026-01-20. Review status: criteria provided, single submitter. Criteria: Invitae Variant Classification Sherloc (09022015). Collection method: clinical testing. Allele origin: germline.

Blueprint Genetics
Classification: Likely benign. Last evaluated: 2024-10-02. Review status: criteria provided, single submitter. Criteria: ACMG Guidelines, 2015. Collection method: clinical testing. Allele origin: germline.

Ambry Genetics
Classification: Uncertain significance for Inborn genetic diseases. Last evaluated: 2024-07-14. Review status: criteria provided, single submitter. Criteria: Ambry Variant Classification Scheme 2023. Collection method: clinical testing. Allele origin: germline.

Fulgent Genetics
Classification: Uncertain significance for Short-rib thoracic dysplasia 10 with or without polydactyly; Retinitis pigmentosa 71; Bardet-Biedl syndrome 20. Last evaluated: 2024-03-22. Review status: criteria provided, single submitter. Criteria: ACMG Guidelines, 2015. Collection method: clinical testing. Allele origin: germline.